The following is an entry in ClinVar:

ClinVar aggregate classification (germline): Uncertain significance (1 of 4 stars; one submission).

Submission:

Labcorp Genetics (formerly Invitae), Labcorp
Classification: Uncertain significance. Last evaluated: 2025-04-02. Review status: criteria provided, single submitter. Criteria: Invitae Variant Classification Sherloc (09022015). Collection method: clinical testing. Allele origin: germline.
Comment: This sequence change replaces valine, which is neutral and non-polar, with alanine, which is neutral and non-polar, at codon 1438 of the PIEZO2 protein (p.Val1438Ala). This variant is not present in population databases (gnomAD no frequency). This variant has not been reported in the literature in individuals affected with PIEZO2-related conditions. Invitae Evidence Modeling of protein sequence and biophysical properties (such as structural, functional, and spatial information, amino acid conservation, physicochemical variation, residue mobility, and thermodynamic stability) indicates that this missense variant is not expected to disrupt PIEZO2 protein function with a negative predictive value of 80%. In summary, the available evidence is currently insufficient to determine the role of this variant in disease. Therefore, it has been classified as a Variant of Uncertain Significance.

NM_001378183.1(PIEZO2):c.4388T>C (p.Val1463Ala)

Gene: PIEZO2 (piezo type mechanosensitive ion channel component 2; minus strand). Cytogenetic location: 18p11.22.
Variant type: single nucleotide variant.
Coding change: c.4388T>C on transcript NM_001378183.1 (MANE Select); coding-DNA position 4388, T replaced by C.
Protein change: p.Val1463Ala; replaces valine 1463 with alanine.
Molecular consequence: missense variant.
Genome position (GRCh38, 1-based): chr18:10,748,507, A>G on the plus strand (T>C on the coding strand, the complement: PIEZO2 is on the minus strand). VCF-style: chr18-10748507-A-G. GRCh37 (hg19) VCF-style: chr18-10748505-A-G.
Other names: c.4388T>C, p.Val1463Ala (NM_001410871.1); c.4313T>C, p.Val1438Ala (NM_022068.4); short protein forms V1438A, V1463A.
Identifiers: ClinVar variation 4741824 (VCV004741824.1).
Genomic context (GRCh38, chr18:10,748,507, plus strand): 5'-ACCTGATTTCATGGCCTGACCCACCTTGATGCCAGAATCTGGGAAGCTTTTATATCAGCC[A>G]CAACATGTAGAAAATAATAACTCATGAAAACTCTTCTTTGCAGCAGGAGGAAGGCAAAAC-3'
Protein context (NP_001365112.1, residues 1453-1473): VFMSYYFLHV[Val1463Ala]ADIKASQILA